The following is an entry in ClinVar:

ClinVar aggregate classification (germline): Uncertain significance. Review status: criteria provided, multiple submitters, no conflicts (2 of 4 stars). 3 submissions from 3 submitters: Uncertain significance (3). Last evaluated 2024-12-11.

Conditions:
Autosomal dominant nonsyndromic hearing loss 5. Identifiers: Orphanet 90635, MedGen C1832932, MONDO:0010973, OMIM 600994.

gnomAD v4.1: 1 of 1,614,144 alleles (0.000062%); highest among the groups gnomAD compares: Non-Finnish European, 0.000085%; no homozygotes.

Submissions (3):

GeneDx
Classification: Uncertain significance. Last evaluated: 2024-12-11. Review status: criteria provided, single submitter. Criteria: GeneDx Variant Classification Process June 2021. Collection method: clinical testing. Allele origin: germline. Affected: yes.
Comment: Not observed at significant frequency in large population cohorts (gnomAD); In silico analysis supports that this missense variant has a deleterious effect on protein structure/function; Has not been previously published as pathogenic or benign to our knowledge

Department of Pathology and Laboratory Medicine, Sinai Health System
Classification: Uncertain significance for Autosomal dominant nonsyndromic hearing loss 5. Last evaluated: 2022-04-06. Review status: criteria provided, single submitter. Criteria: ACMG Guidelines, 2015. Collection method: research. Allele origin: germline.

Illumina Laboratory Services, Illumina
Classification: Uncertain significance for Autosomal dominant nonsyndromic hearing loss 5. Last evaluated: 2018-01-12. Review status: criteria provided, single submitter. Criteria: ICSL Variant Classification Criteria 13 December 2019. Collection method: clinical testing. Allele origin: germline.

NM_001127453.2(GSDME):c.275T>G (p.Leu92Arg)

Gene: GSDME (gasdermin E; minus strand). Cytogenetic location: 7p15.3.
Variant type: single nucleotide variant.
Coding change: c.275T>G on transcript NM_001127453.2 (MANE Select); coding-DNA position 275, T replaced by G.
Protein change: p.Leu92Arg; replaces leucine 92 with arginine.
Molecular consequence: missense variant. On other transcripts: 5 prime UTR variant (1).
Genome position (GRCh38, 1-based): chr7:24,744,691, A>C on the plus strand (T>G on the coding strand, the complement: GSDME is on the minus strand). VCF-style: chr7-24744691-A-C. GRCh37 (hg19) VCF-style: chr7-24784310-A-C.
Other names: c.-218T>G (NM_001127454.2); c.275T>G, p.Leu92Arg (NM_004403.3); short protein forms L92R.
Identifiers: ClinVar variation 911248 (VCV000911248.6), dbSNP rs865905505, ClinGen allele CA367048782.